The following is an entry in ClinVar:

ClinVar aggregate classification (germline): Uncertain significance. Review status: criteria provided, multiple submitters, no conflicts (2 of 4 stars). 2 submissions from 2 submitters: Uncertain significance (2). Last evaluated 2023-12-16.

Conditions:
Developmental and epileptic encephalopathy, 36 (DEE36). Also called: Congenital disorder of glycosylation, type Is; Epileptic encephalopathy, early infantile, 36; ALG13-CDG. Identifiers: Orphanet 324422, MedGen C4317295, MONDO:0010472, OMIM 300884.

Allele frequency attached by ClinVar (database versions not stated): gnomAD exomes 0.00002.
gnomAD v4.1: 22 of 1,175,141 alleles (0.0019%); highest among the groups gnomAD compares: Non-Finnish European, 0.0025%; no homozygotes.

Submissions (2):

Labcorp Genetics (formerly Invitae), Labcorp
Classification: Uncertain significance for Developmental and epileptic encephalopathy, 36. Last evaluated: 2023-12-16. Review status: criteria provided, single submitter. Criteria: Invitae Variant Classification Sherloc (09022015). Collection method: clinical testing. Allele origin: germline.
Comment: This sequence change replaces tyrosine, which is neutral and polar, with cysteine, which is neutral and slightly polar, at codon 840 of the ALG13 protein (p.Tyr840Cys). This variant is not present in population databases (gnomAD no frequency). This variant has not been reported in the literature in individuals affected with ALG13-related conditions. ClinVar contains an entry for this variant (Variation ID: 660360). Advanced modeling of protein sequence and biophysical properties (such as structural, functional, and spatial information, amino acid conservation, physicochemical variation, residue mobility, and thermodynamic stability) performed at Invitae indicates that this missense variant is not expected to disrupt ALG13 protein function with a negative predictive value of 80%. In summary, the available evidence is currently insufficient to determine the role of this variant in disease. Therefore, it has been classified as a Variant of Uncertain Significance.

Blueprint Genetics
Classification: Uncertain significance. Last evaluated: 2020-06-04. Review status: criteria provided, single submitter. Criteria: ACMG Guidelines, 2015. Collection method: clinical testing. Allele origin: germline.

NM_001099922.3(ALG13):c.2519A>G (p.Tyr840Cys)

Gene: ALG13 (ALG13 UDP-N-acetylglucosaminyltransferase subunit; plus strand). Cytogenetic location: Xq23.
Variant type: single nucleotide variant.
Coding change: c.2519A>G on transcript NM_001099922.3 (MANE Select); coding-DNA position 2519, A replaced by G.
Protein change: p.Tyr840Cys; replaces tyrosine 840 with cysteine.
Molecular consequence: missense variant. On other transcripts: non-coding transcript variant (1).
Genome position (GRCh38, 1-based): chrX:111,735,112, A>G. VCF-style: chrX-111735112-A-G. GRCh37 (hg19) VCF-style: chrX-110978340-A-G.
Other names: c.2207A>G, p.Tyr736Cys (NM_001257230.2, NM_001257234.2, NM_001257237.2); c.2285A>G, p.Tyr762Cys (NM_001257231.2); c.2519A>G, p.Tyr840Cys (NM_001324292.2); c.2033A>G, p.Tyr678Cys (NM_001324293.1); short protein forms Y736C, Y678C, Y762C, Y840C.
Identifiers: ClinVar variation 660360 (VCV000660360.10), dbSNP rs1602807307, ClinGen allele CA414254256.